The following is an entry in ClinVar:

ClinVar aggregate classification (germline): Uncertain significance (1 of 4 stars; one submission).

Conditions:
Inborn genetic diseases. Identifiers: MedGen C0950123, MeSH D030342.

Submission:

Ambry Genetics
Classification: Uncertain significance for Inborn genetic diseases. Last evaluated: 2025-04-13. Review status: criteria provided, single submitter. Criteria: Ambry Variant Classification Scheme 2023. Collection method: clinical testing. Allele origin: germline.
Comment: The p.K772Q variant (also known as c.2314A>C), located in coding exon 12 of the BMPR2 gene, results from an A to C substitution at nucleotide position 2314. The lysine at codon 772 is replaced by glutamine, an amino acid with similar properties. This amino acid position is conserved. In addition, the in silico prediction for this alteration is inconclusive. Based on the available evidence, the clinical significance of this variant remains unclear.

NM_001204.7(BMPR2):c.2314A>C (p.Lys772Gln)

Gene: BMPR2 (bone morphogenetic protein receptor type 2; plus strand). Cytogenetic location: 2q33.2.
Variant type: single nucleotide variant.
Coding change: c.2314A>C on transcript NM_001204.7 (MANE Select); coding-DNA position 2314, A replaced by C.
Protein change: p.Lys772Gln; replaces lysine 772 with glutamine.
Molecular consequence: missense variant.
Genome position (GRCh38, 1-based): chr2:202,555,979, A>C. VCF-style: chr2-202555979-A-C. GRCh37 (hg19) VCF-style: chr2-203420702-A-C.
Other names: short protein forms K772Q.
Identifiers: ClinVar variation 3992119 (VCV003992119.1).